The following is an entry in ClinVar:

NM_207111.4(RNF216):c.2279G>A (p.Cys760Tyr)

Gene: RNF216 (ring finger protein 216; minus strand). Cytogenetic location: 7p22.1.
Variant type: single nucleotide variant.
Coding change: c.2279G>A on transcript NM_207111.4 (MANE Select); coding-DNA position 2279, G replaced by A.
Protein change: p.Cys760Tyr; replaces cysteine 760 with tyrosine.
Molecular consequence: missense variant.
Genome position (GRCh38, 1-based): chr7:5,641,257, C>T on the plus strand (G>A on the coding strand, the complement: RNF216 is on the minus strand). VCF-style: chr7-5641257-C-T. GRCh37 (hg19) VCF-style: chr7-5680888-C-T.
Other names: c.2108G>A, p.Cys703Tyr (NM_001377156.1, NM_207116.3); short protein forms C703Y, C760Y.
Identifiers: ClinVar variation 2501423 (VCV002501423.1), dbSNP rs2534090118, ClinGen allele CA366711186.

ClinVar aggregate classification (germline): Uncertain significance (1 of 4 stars; one submission).

Allele frequency attached by ClinVar (database versions not stated): gnomAD exomes below 0.00001.
gnomAD v4.1: 1 of 1,614,148 alleles (0.000062%); highest among the groups gnomAD compares: Non-Finnish European, 0.000085%; no homozygotes.

Submission:

GeneDx
Classification: Uncertain significance. Last evaluated: 2022-11-05. Review status: criteria provided, single submitter. Criteria: GeneDx Variant Classification Process June 2021. Collection method: clinical testing. Allele origin: germline. Affected: yes.
Comment: Not observed at significant frequency in large population cohorts (gnomAD); In silico analysis supports that this missense variant has a deleterious effect on protein structure/function; Has not been previously published as pathogenic or benign to our knowledge